The following is an entry in ClinVar:

NM_017775.4(TTC19):c.1041A>G (p.Gln347=)

Gene: TTC19 (tetratricopeptide repeat domain 19; plus strand). Cytogenetic location: 17p12.
Variant type: single nucleotide variant.
Coding change: c.1041A>G on transcript NM_017775.4 (MANE Select); coding-DNA position 1041, A replaced by G.
Protein change: p.Gln347=; no amino-acid change (glutamine 347 retained).
Molecular consequence: synonymous variant.
Genome position (GRCh38, 1-based): chr17:16,027,420, A>G. VCF-style: chr17-16027420-A-G. GRCh37 (hg19) VCF-style: chr17-15930734-A-G.
Other names: p.Q468Q:CAA>CAG; p.Q347Q:CAA>CAG; p.Gln347=; c.720A>G, p.Gln240= (NM_001271420.2).
Identifiers: ClinVar variation 137766 (VCV000137766.54), dbSNP rs77955179, ClinGen allele CA291425.
Genomic context (GRCh38, chr17:16,027,420, plus strand): 5'-CTGGGTTATTTTAGAACGATATACACAAGCAAAAGAGATCTACCAGGAAGCACTGAAGCA[A>G]GCAAAGCTGAAAAAAGATGAAATTTCTGTACAACACATCAGGGAAGAGTTGGCTGAGCTG-3'
Protein context (NP_060245.3, residues 337-357): AKEIYQEALK[Gln347=]AKLKKDEISV

ClinVar aggregate classification (germline): Conflicting classifications of pathogenicity. Review status: criteria provided, conflicting classifications (1 of 4 stars). 7 submissions from 7 submitters: Uncertain significance (1); Benign (3); Likely benign (3). Last evaluated 2026-04-01.

Conditions:
Mitochondrial complex III deficiency nuclear type 2. Identifiers: MedGen C3554605, MONDO:0014063, OMIM 615157.

Allele frequency attached by ClinVar (database versions not stated): 1000 Genomes Project 0.00060; 1000 Genomes Project 30x 0.00078; ExAC 0.00209; gnomAD exomes 0.00225 and 0.00351; TOPMed 0.00232; gnomAD 0.00242 and 0.00265; ESP Exome Variant Server 0.00254.
gnomAD v4.1: 5,450 of 1,614,172 alleles (0.34%); highest among the groups gnomAD compares: Middle Eastern, 0.53%; 14 homozygotes.

Submissions (7):

CeGaT Center for Human Genetics Tuebingen
Classification: Likely benign. Last evaluated: 2026-04-01. Review status: criteria provided, single submitter. Criteria: CeGaT Center For Human Genetics Tuebingen Variant Classification Criteria Version 2. Collection method: clinical testing. Allele origin: germline. Affected: yes. Observed: 13 variant alleles.
Comment: TTC19: BP4, BP7, BS2

Labcorp Genetics (formerly Invitae), Labcorp
Classification: Benign. Last evaluated: 2026-01-15. Review status: criteria provided, single submitter. Criteria: Invitae Variant Classification Sherloc (09022015). Collection method: clinical testing. Allele origin: germline.

Mayo Clinic Laboratories, Mayo Clinic
Classification: Likely benign. Last evaluated: 2025-03-20. Review status: criteria provided, single submitter. Criteria: ACMG Guidelines, 2015. Collection method: clinical testing. Allele origin: germline. Observed: 14 variant alleles.
Comment: BS1, BP4, BP7

Blueprint Genetics
Classification: Likely benign. Last evaluated: 2024-11-20. Review status: criteria provided, single submitter. Criteria: ACMG Guidelines, 2015. Collection method: clinical testing. Allele origin: germline.

Illumina Laboratory Services, Illumina
Classification: Uncertain significance for Mitochondrial complex III deficiency nuclear type 2. Last evaluated: 2017-04-27. Review status: criteria provided, single submitter. Criteria: ICSL Variant Classification Criteria 13 December 2019. Collection method: clinical testing. Allele origin: germline.

Eurofins Ntd Llc (ga)
Classification: Benign. Last evaluated: 2015-08-10. Review status: criteria provided, single submitter. Criteria: EGL Classification Definitions 2015. Collection method: clinical testing. Allele origin: germline. Observed: 1 variant allele, 1 heterozygote.

GeneDx
Classification: Benign. Last evaluated: 2013-01-31. Review status: criteria provided, single submitter. Criteria: GeneDx Variant Classification (06012015). Collection method: clinical testing. Allele origin: germline. Affected: yes.
Comment: This variant is considered likely benign or benign based on one or more of the following criteria: it is a conservative change, it occurs at a poorly conserved position in the protein, it is predicted to be benign by multiple in silico algorithms, and/or has population frequency not consistent with disease.